The following is an entry in ClinVar:

NM_000256.3(MYBPC3):c.581G>A (p.Gly194Asp)

Gene: MYBPC3 (myosin binding protein C3; minus strand). Cytogenetic location: 11p11.2.
Variant type: single nucleotide variant.
Coding change: c.581G>A on transcript NM_000256.3 (MANE Select); coding-DNA position 581, G replaced by A.
Protein change: p.Gly194Asp; replaces glycine 194 with aspartic acid.
Molecular consequence: missense variant.
Genome position (GRCh38, 1-based): chr11:47,349,847, C>T on the plus strand (G>A on the coding strand, the complement: MYBPC3 is on the minus strand). VCF-style: chr11-47349847-C-T. GRCh37 (hg19) VCF-style: chr11-47371398-C-T.
Other names: c.581G>A, p.Gly194Asp (LRG_386t1); short protein forms G194D.
Identifiers: ClinVar variation 583339 (VCV000583339.8), dbSNP rs1565630919, ClinGen allele CA380337736.
Genomic context (GRCh38, chr11:47,349,847, plus strand): 5'-TCGTAGCTGTCGTGCAGCTGCAGGTGCTGGCCCACCTTGCTGCTCAGGTCCACCCATTTG[C>T]CCTTGAACCACTTGACCACAGGCGGCTTCAGGAGGCTGGCGCCGGCCACGCGGGCTGAGA-3'
Protein context (NP_000247.2, residues 184-204): LKPPVVKWFK[Gly194Asp]KWVDLSSKVG

ClinVar aggregate classification (germline): Uncertain significance (1 of 4 stars; one submission).

Conditions:
Hypertrophic cardiomyopathy. Also called: HYPERTROPHIC MYOCARDIOPATHY. Identifiers: Orphanet 217569, MedGen C0007194, MeSH D002312, MONDO:0005045, HP:0001639.

Submission:

Labcorp Genetics (formerly Invitae), Labcorp
Classification: Uncertain significance for Hypertrophic cardiomyopathy. Last evaluated: 2018-03-04. Review status: criteria provided, single submitter. Criteria: Invitae Variant Classification Sherloc (09022015). Collection method: clinical testing. Allele origin: germline.
Comment: Algorithms developed to predict the effect of missense changes on protein structure and function (SIFT, PolyPhen-2, Align-GVGD) all suggest that this variant is likely to be disruptive, but these predictions have not been confirmed by published functional studies and their clinical significance is uncertain. In summary, the available evidence is currently insufficient to determine the role of this variant in disease. Therefore, it has been classified as a Variant of Uncertain Significance. This variant has not been reported in the literature in individuals with MYBPC3-related disease. This variant is not present in population databases (ExAC no frequency). This sequence change replaces glycine with aspartic acid at codon 194 of the MYBPC3 protein (p.Gly194Asp). The glycine residue is highly conserved and there is a moderate physicochemical difference between glycine and aspartic acid.